The following is an entry in ClinVar:

NM_000334.4(SCN4A):c.575C>G (p.Pro192Arg)

Gene: SCN4A (sodium voltage-gated channel alpha subunit 4; minus strand). Cytogenetic location: 17q23.3.
Variant type: single nucleotide variant.
Coding change: c.575C>G on transcript NM_000334.4 (MANE Select); coding-DNA position 575, C replaced by G.
Protein change: p.Pro192Arg; replaces proline 192 with arginine.
Molecular consequence: missense variant.
Genome position (GRCh38, 1-based): chr17:63,971,758, G>C on the plus strand (C>G on the coding strand, the complement: SCN4A is on the minus strand). VCF-style: chr17-63971758-G-C. GRCh37 (hg19) VCF-style: chr17-62049118-G-C.
Other names: short protein forms P192R.
Identifiers: ClinVar variation 2822601 (VCV002822601.3), dbSNP rs1909615922, ClinGen allele CA400638988.
Genomic context (GRCh38, chr17:63,971,758, plus strand): 5'-GGATGTCCTGGGGCCCCTGCTCACGCCATCATGATGACACTGAAGTCCAGCCAGTTCCAG[G>C]GGTCCCGGAGGAATGTGAAGTCGTCGACACAGAAGCCTCGGGCCAGTATCTTGATGAGGG-3'
Protein context (NP_000325.4, residues 182-202): CVDDFTFLRD[Pro192Arg]WNWLDFSVIM

ClinVar aggregate classification (germline): Uncertain significance (1 of 4 stars; one submission).

Conditions:
Hyperkalemic periodic paralysis. Also called: Familial hyperkalemic periodic paralysis; Gamstorp disease. Identifiers: Orphanet 682, MedGen C0238357, MONDO:0008224, OMIM 170500, HP:0007215.

Allele frequency attached by ClinVar (database versions not stated): TOPMed below 0.00001.

Submission:

Labcorp Genetics (formerly Invitae), Labcorp
Classification: Uncertain significance for Hyperkalemic periodic paralysis. Last evaluated: 2023-07-08. Review status: criteria provided, single submitter. Criteria: Invitae Variant Classification Sherloc (09022015). Collection method: clinical testing. Allele origin: germline.
Comment: Advanced modeling of protein sequence and biophysical properties (such as structural, functional, and spatial information, amino acid conservation, physicochemical variation, residue mobility, and thermodynamic stability) performed at Invitae indicates that this missense variant is expected to disrupt SCN4A protein function. This variant has not been reported in the literature in individuals affected with SCN4A-related conditions. This variant is not present in population databases (gnomAD no frequency). This sequence change replaces proline, which is neutral and non-polar, with arginine, which is basic and polar, at codon 192 of the SCN4A protein (p.Pro192Arg). In summary, the available evidence is currently insufficient to determine the role of this variant in disease. Therefore, it has been classified as a Variant of Uncertain Significance.